The following is an entry in ClinVar:

NM_001042424.3(NSD2):c.3095G>A (p.Cys1032Tyr)

Gene: NSD2 (nuclear receptor binding SET domain protein 2; plus strand). Cytogenetic location: 4p16.3.
Variant type: single nucleotide variant.
Coding change: c.3095G>A on transcript NM_001042424.3 (MANE Select); coding-DNA position 3095, G replaced by A.
Protein change: p.Cys1032Tyr; replaces cysteine 1032 with tyrosine.
Molecular consequence: missense variant. On other transcripts: intron variant (1).
Genome position (GRCh38, 1-based): chr4:1,959,580, G>A. VCF-style: chr4-1959580-G-A. GRCh37 (hg19) VCF-style: chr4-1961307-G-A.
Other names: c.3095G>A, p.Cys1032Tyr (NM_001440892.1, NM_001440894.1, NM_133330.3 and 2 more transcripts); c.3194G>A, p.Cys1065Tyr (NM_001440893.1); c.2894G>A, p.Cys965Tyr (NM_001440896.1); c.2888G>A, p.Cys963Tyr (NM_001440897.1, NM_001440898.1); c.2126G>A, p.Cys709Tyr (NM_001440899.1, NM_001440900.1); c.2986-38G>A (NM_001440895.1); short protein forms C1032Y, C1065Y, C709Y, C963Y, C965Y.
Identifiers: ClinVar variation 5037550 (VCV005037550.1).

ClinVar aggregate classification (germline): Uncertain significance (1 of 4 stars; one submission).

Submission:

GeneDx
Classification: Uncertain significance. Last evaluated: 2026-04-22. Review status: criteria provided, single submitter. Criteria: GeneDx Variant Classification Process June 2021. Collection method: clinical testing. Allele origin: germline.
Comment: Not observed at significant frequency in large population cohorts (gnomAD); In silico analysis supports that this missense variant has a deleterious effect on protein structure/function; Has not been previously published as pathogenic or benign to our knowledge